The following is an entry in ClinVar:

NM_004655.4(AXIN2):c.1299A>G (p.Glu433=)

Gene: AXIN2 (axin 2; minus strand). Cytogenetic location: 17q24.1.
Variant type: single nucleotide variant.
Coding change: c.1299A>G on transcript NM_004655.4 (MANE Select); coding-DNA position 1299, A replaced by G.
Protein change: p.Glu433=; no amino-acid change (glutamic acid 433 retained).
Molecular consequence: synonymous variant.
Genome position (GRCh38, 1-based): chr17:65,537,737, T>C on the plus strand (A>G on the coding strand, the complement: AXIN2 is on the minus strand). VCF-style: chr17-65537737-T-C. GRCh37 (hg19) VCF-style: chr17-63533855-T-C.
Other names: c.1299A>G (LRG_296t1); c.1299A>G, p.Glu433= (NM_001363813.1).
Identifiers: ClinVar variation 510712 (VCV000510712.15), dbSNP rs1367280984, ClinGen allele CA501691289.

ClinVar aggregate classification (germline): Benign/Likely benign. Review status: criteria provided, multiple submitters, no conflicts (2 of 4 stars). 4 submissions from 4 submitters: Benign (1); Likely benign (3). Last evaluated 2026-01-06.

Conditions:
Hereditary cancer-predisposing syndrome. Also called: Hereditary neoplastic syndrome; Hereditary Cancer Syndrome; Neoplastic Syndromes, Hereditary; Tumor predisposition. Identifiers: Orphanet 140162, MedGen C0027672, MeSH D009386, MONDO:0015356.
Oligodontia-cancer predisposition syndrome. Also called: TOOTH AGENESIS-COLORECTAL CANCER SYNDROME. Identifiers: Orphanet 300576, MedGen C1837750, MONDO:0012075, OMIM 608615. Disease mechanism: loss of function.

Allele frequency attached by ClinVar (database versions not stated): gnomAD exomes 0.00001.
gnomAD v4.1: 12 of 1,566,772 alleles (0.00077%); highest among the groups gnomAD compares: South Asian, 0.012%; no homozygotes.

Submissions (4):

Labcorp Genetics (formerly Invitae), Labcorp
Classification: Likely benign for Oligodontia-cancer predisposition syndrome. Last evaluated: 2026-01-06. Review status: criteria provided, single submitter. Criteria: Invitae Variant Classification Sherloc (09022015). Collection method: clinical testing. Allele origin: germline.

Myriad Genetics, Inc.
Classification: Benign for Oligodontia-cancer predisposition syndrome. Last evaluated: 2024-07-02. Review status: criteria provided, single submitter. Criteria: Myriad Autosomal Dominant, Autosomal Recessive and X-Linked Classification Criteria (2023). Collection method: clinical testing. Allele origin: unknown.
Comment: This variant is considered benign. This variant is a silent/synonymous amino acid change and it is not expected to impact splicing.

Ambry Genetics
Classification: Likely benign for Hereditary cancer-predisposing syndrome. Last evaluated: 2022-04-19. Review status: criteria provided, single submitter. Criteria: Ambry Variant Classification Scheme 2023. Collection method: clinical testing. Allele origin: germline.

GeneDx
Classification: Likely benign. Last evaluated: 2017-07-06. Review status: criteria provided, single submitter. Criteria: GeneDx Variant Classification (06012015). Collection method: clinical testing. Allele origin: germline. Affected: yes.
Comment: This variant is considered likely benign or benign based on one or more of the following criteria: it is a conservative change, it occurs at a poorly conserved position in the protein, it is predicted to be benign by multiple in silico algorithms, and/or has population frequency not consistent with disease.